The following is an entry in ClinVar:

ClinVar aggregate classification (germline): Benign (0 of 4 stars; one submission).

Conditions:
SOX8-related disorder. Also called: SOX8-related condition.

Allele frequency attached by ClinVar (database versions not stated): 1000 Genomes Project 0.00419; 1000 Genomes Project 30x 0.00453; ESP Exome Variant Server 0.00080; ExAC 0.00148.
gnomAD v4.1: 716 of 1,347,834 alleles (0.053%); highest among the groups gnomAD compares: African/African-American, 1%; 5 homozygotes.

Submission:

PreventionGenetics, part of Exact Sciences
Classification: Benign for SOX8-related condition. Last evaluated: 2019-06-14. Review status: no assertion criteria provided. Collection method: clinical testing. Allele origin: germline.
Comment: This variant is classified as benign based on ACMG/AMP sequence variant interpretation guidelines (Richards et al. 2015 PMID: 25741868, with internal and published modifications).

NM_014587.5(SOX8):c.422+9C>G

Gene: SOX8 (SRY-box transcription factor 8; plus strand). Cytogenetic location: 16p13.3.
Variant type: single nucleotide variant.
Coding change: c.422+9C>G on transcript NM_014587.5 (MANE Select); 9 bases into the intron after coding-DNA position 422, C replaced by G.
Molecular consequence: intron variant.
Genome position (GRCh38, 1-based): chr16:982,353, C>G. VCF-style: chr16-982353-C-G. GRCh37 (hg19) VCF-style: chr16-1032353-C-G.
Identifiers: ClinVar variation 3033626 (VCV003033626.2), dbSNP rs201672745, ClinGen allele CA7798125.